The following is an entry in ClinVar:

NM_001005242.3(PKP2):c.1727C>A (p.Ala576Glu)

Gene: PKP2 (plakophilin 2; minus strand). Cytogenetic location: 12p11.21.
Variant type: single nucleotide variant.
Coding change: c.1727C>A on transcript NM_001005242.3 (MANE Select); coding-DNA position 1727, C replaced by A.
Protein change: p.Ala576Glu; replaces alanine 576 with glutamic acid.
Molecular consequence: missense variant.
Genome position (GRCh38, 1-based): chr12:32,822,579, G>T on the plus strand (C>A on the coding strand, the complement: PKP2 is on the minus strand). VCF-style: chr12-32822579-G-T. GRCh37 (hg19) VCF-style: chr12-32975513-G-T.
Other names: c.1859C>A, p.Ala620Glu (NM_004572.4); short protein forms A576E, A620E.
Identifiers: ClinVar variation 1061741 (VCV001061741.9), dbSNP rs2137777851, ClinGen allele CA384363321.

ClinVar aggregate classification (germline): Uncertain significance (1 of 4 stars; one submission).

Conditions:
Arrhythmogenic right ventricular dysplasia 9 (ARVD9). Also called: Arrhythmogenic Right Ventricular Dysplasia/Cardiomyopathy 9; ARRHYTHMOGENIC RIGHT VENTRICULAR DYSPLASIA, FAMILIAL, 9. Identifiers: MedGen C1836906, MONDO:0012180, OMIM 609040.

Submission:

Labcorp Genetics (formerly Invitae), Labcorp
Classification: Uncertain significance for Arrhythmogenic right ventricular dysplasia 9. Last evaluated: 2020-03-23. Review status: criteria provided, single submitter. Criteria: Invitae Variant Classification Sherloc (09022015). Collection method: clinical testing. Allele origin: germline.
Comment: In summary, the available evidence is currently insufficient to determine the role of this variant in disease. Therefore, it has been classified as a Variant of Uncertain Significance. Algorithms developed to predict the effect of missense changes on protein structure and function are either unavailable or do not agree on the potential impact of this missense change (SIFT: "Deleterious"; PolyPhen-2: "Benign"; Align-GVGD: "Class C0"). This variant has not been reported in the literature in individuals with PKP2-related conditions. This variant is not present in population databases (ExAC no frequency). This sequence change replaces alanine with glutamic acid at codon 620 of the PKP2 protein (p.Ala620Glu). The alanine residue is highly conserved and there is a moderate physicochemical difference between alanine and glutamic acid.